The following is an entry in ClinVar:

NM_005797.4(MPZL2):c.[220C>T];[463del]

Variant type: CompoundHeterozygote.
Identifiers: ClinVar variation 800646 (VCV000800646.1).

ClinVar aggregate classification (germline): Pathogenic (0 of 4 stars; one submission).

Conditions:
Hearing loss, autosomal recessive 111. Also called: DEAFNESS, AUTOSOMAL RECESSIVE 111. Identifiers: MedGen C4748374, MONDO:0029142, OMIM 618145.

Submission:

Laboratory of Molecular Genetics, Brain Korea 21 PLUS Project for Medical Sciences, Yonsei University College of Medicine
Classification: Pathogenic for Hearing loss, autosomal recessive 111. Last evaluated: 2019-08-08. Review status: no assertion criteria provided. Collection method: research. Allele origin: germline. Affected: yes.
Comment: AR NSHL had a characteristic of moderate and progressive hearing loss.